The following is an entry in ClinVar:

NM_024529.5(CDC73):c.763T>C (p.Ser255Pro)

Gene: CDC73 (cell division cycle 73; plus strand). Cytogenetic location: 1q31.2.
Variant type: single nucleotide variant.
Coding change: c.763T>C on transcript NM_024529.5 (MANE Select); coding-DNA position 763, T replaced by C.
Protein change: p.Ser255Pro; replaces serine 255 with proline.
Molecular consequence: missense variant.
Genome position (GRCh38, 1-based): chr1:193,147,900, T>C. VCF-style: chr1-193147900-T-C. GRCh37 (hg19) VCF-style: chr1-193117030-T-C.
Other names: short protein forms S255P.
Identifiers: ClinVar variation 4824170 (VCV004824170.1).

ClinVar aggregate classification (germline): Uncertain significance (1 of 4 stars; one submission).

Conditions:
Hereditary cancer-predisposing syndrome. Also called: Neoplastic Syndromes, Hereditary; Hereditary neoplastic syndrome; Tumor predisposition; Hereditary Cancer Syndrome. Identifiers: Orphanet 140162, MedGen C0027672, MeSH D009386, MONDO:0015356.

Submission:

Ambry Genetics
Classification: Uncertain significance for Hereditary cancer-predisposing syndrome. Last evaluated: 2026-01-18. Review status: criteria provided, single submitter. Criteria: Ambry Variant Classification Scheme 2023. Collection method: clinical testing. Allele origin: germline.
Comment: The p.S255P variant (also known as c.763T>C), located in coding exon 8 of the CDC73 gene, results from a T to C substitution at nucleotide position 763. The serine at codon 255 is replaced by proline, an amino acid with similar properties. This amino acid position is conserved. In addition, this alteration is predicted to be deleterious by in silico analysis. Based on the available evidence, the clinical significance of this variant remains unclear.